The following is an entry in ClinVar:

ClinVar aggregate classification (germline): Pathogenic (1 of 4 stars; one submission).

Conditions:
Neurofibromatosis, type 1 (NF1). Also called: VON RECKLINGHAUSEN DISEASE; NEUROFIBROMATOSIS, TYPE I, SOMATIC; Peripheral type neurofibromatosis; Neurofibromatosis, type I. Identifiers: Orphanet 636, MedGen C0027831, MONDO:0018975, OMIM 162200. Disease mechanism: loss of function.

Submission:

Labcorp Genetics (formerly Invitae), Labcorp
Classification: Pathogenic for Neurofibromatosis, type 1. Last evaluated: 2024-10-17. Review status: criteria provided, single submitter. Criteria: Invitae Variant Classification Sherloc (09022015). Collection method: clinical testing. Allele origin: germline.
Comment: This sequence change creates a premature translational stop signal (p.Phe150Leufs*15) in the NF1 gene. It is expected to result in an absent or disrupted protein product. Loss-of-function variants in NF1 are known to be pathogenic (PMID: 10712197, 23913538). This variant is not present in population databases (gnomAD no frequency). This variant has not been reported in the literature in individuals affected with NF1-related conditions. For these reasons, this variant has been classified as Pathogenic.

Literature cited by the submitters: PubMed 10712197; PubMed 23913538.

NM_001042492.3(NF1):c.450del (p.Phe150fs)

Gene: NF1 (neurofibromin 1; plus strand). Cytogenetic location: 17q11.2.
Variant type: Deletion.
Coding change: c.450del on transcript NM_001042492.3 (MANE Select); coding-DNA position 450, one base deleted (C; older notation c.450delC).
Protein change: p.Phe150fs; shifts the reading frame from phenylalanine 150.
Molecular consequence: frameshift variant.
Genome position (GRCh38, 1-based): chr17:31,163,347, C deleted. VCF-style (leftmost placement, unchanged base first): chr17-31163346-TC-T. GRCh37 (hg19) VCF-style: chr17-29490364-TC-T.
Other names: c.450delC, p.Phe150Leufs (NM_000267.4); c.450del, p.Phe150fs (NM_001128147.3); short protein forms F150fs.
Identifiers: ClinVar variation 3723120 (VCV003723120.2).